The following is an entry in ClinVar:

NM_001369369.1(FOXN1):c.1492C>T (p.Pro498Ser)

Gene: FOXN1 (forkhead box N1; plus strand). Cytogenetic location: 17q11.2.
Variant type: single nucleotide variant.
Coding change: c.1492C>T on transcript NM_001369369.1 (MANE Select); coding-DNA position 1492, C replaced by T.
Protein change: p.Pro498Ser; replaces proline 498 with serine.
Molecular consequence: missense variant.
Genome position (GRCh38, 1-based): chr17:28,535,063, C>T. VCF-style: chr17-28535063-C-T. GRCh37 (hg19) VCF-style: chr17-26862081-C-T.
Other names: c.1492C>T, p.Pro498Ser (NM_003593.3); short protein forms P498S.
Identifiers: ClinVar variation 862778 (VCV000862778.3), dbSNP rs200807422, ClinGen allele CA8459546.

ClinVar aggregate classification (germline): Uncertain significance (1 of 4 stars; one submission).

Conditions:
T-cell immunodeficiency, congenital alopecia, and nail dystrophy. Also called: Congenital alopecia and nail dystrophy associated with severe functional T-cell immunodeficiency; Pignata Guarino syndrome. Identifiers: Orphanet 169095, MedGen C1866426, MONDO:0011132, OMIM 601705.

Allele frequency attached by ClinVar (database versions not stated): gnomAD exomes below 0.00001 and 0.00002; TOPMed below 0.00001; gnomAD 0.00001; ExAC 0.00002; 1000 Genomes Project 30x 0.00016; 1000 Genomes Project 0.00020.

Submission:

Labcorp Genetics (formerly Invitae), Labcorp
Classification: Uncertain significance for T-cell immunodeficiency, congenital alopecia, and nail dystrophy. Last evaluated: 2024-04-11. Review status: criteria provided, single submitter. Criteria: Invitae Variant Classification Sherloc (09022015). Collection method: clinical testing. Allele origin: germline.
Comment: This sequence change replaces proline, which is neutral and non-polar, with serine, which is neutral and polar, at codon 498 of the FOXN1 protein (p.Pro498Ser). This variant is present in population databases (rs200807422, gnomAD 0.01%). This variant has not been reported in the literature in individuals affected with FOXN1-related conditions. ClinVar contains an entry for this variant (Variation ID: 862778). Advanced modeling of protein sequence and biophysical properties (such as structural, functional, and spatial information, amino acid conservation, physicochemical variation, residue mobility, and thermodynamic stability) performed at Invitae indicates that this missense variant is not expected to disrupt FOXN1 protein function with a negative predictive value of 80%. In summary, the available evidence is currently insufficient to determine the role of this variant in disease. Therefore, it has been classified as a Variant of Uncertain Significance.